The following is an entry in ClinVar:

ClinVar aggregate classification (germline): Uncertain significance (1 of 4 stars; one submission).

gnomAD v4.1: 4 of 1,612,314 alleles (0.00025%); highest among the groups gnomAD compares: Admixed American, 0.0067%; no homozygotes.

Submission:

GeneDx
Classification: Uncertain significance. Last evaluated: 2024-07-10. Review status: criteria provided, single submitter. Criteria: GeneDx Variant Classification Process June 2021. Collection method: clinical testing. Allele origin: germline. Affected: yes.
Comment: In silico analysis supports that this missense variant has a deleterious effect on protein structure/function; Has not been previously published as pathogenic or benign to our knowledge

NM_001374736.1(DST):c.4148A>C (p.Lys1383Thr)

Gene: DST (dystonin; minus strand). Cytogenetic location: 6p12.1.
Variant type: single nucleotide variant.
Coding change: c.4148A>C on transcript NM_001374736.1 (MANE Select); coding-DNA position 4148, A replaced by C.
Protein change: p.Lys1383Thr; replaces lysine 1383 with threonine.
Molecular consequence: missense variant.
Genome position (GRCh38, 1-based): chr6:56,630,378, T>G on the plus strand (A>C on the coding strand, the complement: DST is on the minus strand). VCF-style: chr6-56630378-T-G. GRCh37 (hg19) VCF-style: chr6-56495176-T-G.
Other names: c.4049A>C, p.Lys1350Thr (NM_001144769.5); c.3635A>C, p.Lys1212Thr (NM_001144770.2); c.4148A>C, p.Lys1383Thr (NM_001374722.1); c.3515A>C, p.Lys1172Thr (NM_001374729.1, NM_001374730.1, NM_001386100.1 and 1 more transcripts); c.4175A>C, p.Lys1392Thr (NM_001374734.1); c.2537A>C, p.Lys846Thr (NM_001723.7, NM_015548.5); short protein forms K1172T, K1350T, K1383T, K1392T, K846T, K1212T.
Identifiers: ClinVar variation 3572508 (VCV003572508.1).